The following is an entry in ClinVar:

NM_016203.4(PRKAG2):c.1340A>G (p.Lys447Arg)

Gene: PRKAG2 (protein kinase AMP-activated non-catalytic subunit gamma 2; minus strand). Cytogenetic location: 7q36.1.
Variant type: single nucleotide variant.
Coding change: c.1340A>G on transcript NM_016203.4 (MANE Select); coding-DNA position 1340, A replaced by G.
Protein change: p.Lys447Arg; replaces lysine 447 with arginine.
Molecular consequence: missense variant.
Genome position (GRCh38, 1-based): chr7:151,565,779, T>C on the plus strand (A>G on the coding strand, the complement: PRKAG2 is on the minus strand). VCF-style: chr7-151565779-T-C. GRCh37 (hg19) VCF-style: chr7-151262865-T-C.
Other names: c.1208A>G, p.Lys403Arg (NM_001040633.2, NM_001407024.1); c.965A>G, p.Lys322Arg (NM_001304527.2, NM_001407029.1); c.617A>G, p.Lys206Arg (NM_001304531.2, NM_001407034.1, NM_001407035.1 and 1 more transcripts); c.968A>G, p.Lys323Arg (NM_001363698.2, NM_001407028.1); c.1340A>G, p.Lys447Arg (NM_001407021.1); c.1337A>G, p.Lys446Arg (NM_001407022.1, NM_001407023.1); c.1205A>G, p.Lys402Arg (NM_001407026.1, NM_001407027.1); c.1052A>G, p.Lys351Arg (NM_001407030.1); and 6 more; short protein forms K205R, K222R, K322R, K339R, K351R, K323R, K350R, K403R.
Identifiers: ClinVar variation 2731486 (VCV002731486.3), dbSNP rs2536296259, ClinGen allele CA370070982.
Genomic context (GRCh38, chr7:151,565,779, plus strand): 5'-CCTGACTCATCCACAACAGGCAGAGCTGATATTCGTCTTTCCACAAATATGTTCAAGGCT[T>C]TGATGATGGGAGTGTCTGGATGTATGAAGGCAATGTTGTGGTACGTTCCTATTCCAAGCT-3'
Protein context (NP_057287.2, residues 437-457): AFIHPDTPII[Lys447Arg]ALNIFVERRI

ClinVar aggregate classification (germline): Uncertain significance (1 of 4 stars; one submission).

Conditions:
Lethal congenital glycogen storage disease of heart. Also called: GLYCOGEN STORAGE DISEASE OF HEART; PHOSPHORYLASE KINASE DEFICIENCY OF HEART. Identifiers: Orphanet 439854, MedGen C1849813, MONDO:0009867, OMIM 261740.

Allele frequency attached by ClinVar (database versions not stated): gnomAD exomes below 0.00001.

Submission:

Labcorp Genetics (formerly Invitae), Labcorp
Classification: Uncertain significance for Lethal congenital glycogen storage disease of heart. Last evaluated: 2024-03-04. Review status: criteria provided, single submitter. Criteria: Invitae Variant Classification Sherloc (09022015). Collection method: clinical testing. Allele origin: germline.
Comment: This sequence change replaces lysine, which is basic and polar, with arginine, which is basic and polar, at codon 447 of the PRKAG2 protein (p.Lys447Arg). This variant is not present in population databases (gnomAD no frequency). This variant has not been reported in the literature in individuals affected with PRKAG2-related conditions. Advanced modeling of protein sequence and biophysical properties (such as structural, functional, and spatial information, amino acid conservation, physicochemical variation, residue mobility, and thermodynamic stability) performed at Invitae indicates that this missense variant is not expected to disrupt PRKAG2 protein function with a negative predictive value of 95%. In summary, the available evidence is currently insufficient to determine the role of this variant in disease. Therefore, it has been classified as a Variant of Uncertain Significance.